The following is an entry in ClinVar:

ClinVar aggregate classification (germline): Conflicting classifications of pathogenicity. Review status: criteria provided, conflicting classifications (1 of 4 stars). 8 submissions from 8 submitters: Pathogenic (1); Likely pathogenic (2); Uncertain significance (1). 4 of the submissions do not count toward it. Last evaluated 2025-12-15.

Conditions:
Myopathy. Identifiers: MedGen C0026848, MeSH D009135, MONDO:0005336, HP:0003198.
Pelvic girdle muscle weakness. Identifiers: MedGen C0427064, HP:0003749.
Neuronopathy, distal hereditary motor, autosomal dominant. Also called: Autosomal dominant distal hereditary motor neuropathy. Identifiers: Orphanet 140465, MedGen C5548212, MONDO:0015362.
Autosomal dominant childhood-onset proximal spinal muscular atrophy with contractures (SMALED2A). Also called: SPINAL MUSCULAR ATROPHY, LOWER EXTREMITY-PREDOMINANT, 2A, CHILDHOOD ONSET, AUTOSOMAL DOMINANT; Spinal muscular atrophy, lower extremity-predominant, 2A, autosomal dominant. Identifiers: Orphanet 363447, Orphanet 363454, MedGen C4747715, MONDO:0014121, OMIM 615290.

Submissions (8):

Labcorp Genetics (formerly Invitae), Labcorp
Classification: Pathogenic for Autosomal dominant childhood-onset proximal spinal muscular atrophy with contractures. Last evaluated: 2025-12-15. Review status: criteria provided, single submitter. Criteria: Invitae Variant Classification Sherloc (09022015). Collection method: clinical testing. Allele origin: germline.
Comment: This sequence change replaces arginine, which is basic and polar, with cysteine, which is neutral and slightly polar, at codon 747 of the BICD2 protein (p.Arg747Cys). This variant is not present in population databases (gnomAD no frequency). This missense change has been observed in individuals with distal hereditary motor neuropathy (PMID: 24336790; internal data). It has also been observed to segregate with disease in related individuals. ClinVar contains an entry for this variant (Variation ID: 637067). Invitae Evidence Modeling of protein sequence and biophysical properties (such as structural, functional, and spatial information, amino acid conservation, physicochemical variation, residue mobility, and thermodynamic stability) indicates that this missense variant is expected to disrupt BICD2 protein function with a positive predictive value of 80%. For these reasons, this variant has been classified as Pathogenic.

3billion
Classification: Likely pathogenic for Autosomal dominant childhood-onset proximal spinal muscular atrophy with contractures. Last evaluated: 2023-09-06. Review status: criteria provided, single submitter. Criteria: ACMG Guidelines, 2015. Collection method: clinical testing. Allele origin: germline. Affected: yes.
Comment: The variant is not observed in the gnomAD v2.1.1 dataset. Predicted Consequence/Location: Missense changes are a common disease-causing mechanism. In silico tool predictions suggest damaging effect of the variant on gene or gene product [REVEL: 0.89 (>=0.6, sensitivity 0.68 and specificity 0.92); 3Cnet: 0.72 (>=0.6, sensitivity 0.72 and precision 0.9)]. Same nucleotide change resulting in same amino acid change has been previously reported to be associated with BICD2 related disorder (ClinVar ID: VCV000637067 /PMID: 24336790). A different missense change at the same codon (p.Arg747Leu) has been reported to be associated with BICD2 related disorder (PMID: 33820833). Therefore, this variant is classified as Likely pathogenic according to the recommendation of ACMG/AMP guideline.

Institute of Medical Genetics and Applied Genomics, University Hospital Tübingen
Classification: Likely pathogenic. Last evaluated: 2020-10-23. Review status: criteria provided, single submitter. Criteria: ACMG Guidelines, 2015. Collection method: clinical testing. Allele origin: germline. Inheritance: Autosomal dominant inheritance. Affected: yes.

GeneDx
Classification: Uncertain significance. Last evaluated: 2019-03-30. Review status: criteria provided, single submitter. Criteria: GeneDx Variant Classification Process June 2021. Collection method: clinical testing. Allele origin: germline. Affected: yes.
Comment: Not observed in large population cohorts (Lek et al., 2016); The majority of missense variants in this gene are considered pathogenic (Stenson et al., 2014); In silico analysis, which includes protein predictors and evolutionary conservation, supports a deleterious effect; Identified in a single family with autosomal dominant spinal muscular atrophy who had sequencing of BICD2 only (Synofzik et al., 2014); This variant is associated with the following publications: (PMID: 24336790, 32581362)

Clinical Genetics DNA and cytogenetics Diagnostics Lab, Erasmus MC, Erasmus Medical Center
Classification: Likely pathogenic. Review status: no assertion criteria provided. Collection method: clinical testing. Allele origin: germline. Affected: yes. Study: VKGL Data-share Consensus. Not counted in ClinVar's aggregate classification.

Inherited Neuropathy Consortium
Classification: Uncertain significance for Autosomal dominant distal hereditary motor neuropathy. Review status: no assertion criteria provided. Collection method: literature only. Allele origin: germline. Affected: yes. Not counted in ClinVar's aggregate classification.

Joint Genome Diagnostic Labs from Nijmegen and Maastricht, Radboudumc and MUMC+
Classification: Likely pathogenic. Review status: no assertion criteria provided. Collection method: clinical testing. Allele origin: germline. Affected: yes. Study: VKGL Data-share Consensus. Not counted in ClinVar's aggregate classification.

NIHR Bioresource Rare Diseases, University of Cambridge
Classification: Likely pathogenic for Myopathy; Pelvic girdle muscle weakness. Review status: no assertion criteria provided. Collection method: research. Allele origin: unknown. Affected: yes. Observed: 1 variant allele. Not counted in ClinVar's aggregate classification.

Literature cited by the submitters: PubMed 24336790 (cited by 3 submitters); PubMed 33820833 (cited by 3billion); PubMed 32581362 (cited by NIHR Bioresource Rare Diseases, University of Cambridge).

NM_001003800.2(BICD2):c.2239C>T (p.Arg747Cys)

Gene: BICD2 (BICD cargo adaptor 2; minus strand). Cytogenetic location: 9q22.31.
Variant type: single nucleotide variant.
Coding change: c.2239C>T on transcript NM_001003800.2 (MANE Select); coding-DNA position 2239, C replaced by T.
Protein change: p.Arg747Cys; replaces arginine 747 with cysteine.
Molecular consequence: missense variant.
Genome position (GRCh38, 1-based): chr9:92,717,816, G>A on the plus strand (C>T on the coding strand, the complement: BICD2 is on the minus strand). VCF-style: chr9-92717816-G-A. GRCh37 (hg19) VCF-style: chr9-95480098-G-A.
Other names: c.2239C>T, p.Arg747Cys (NM_015250.4); short protein forms R747C.
Identifiers: ClinVar variation 637067 (VCV000637067.18), dbSNP rs1587667544, ClinGen allele CA374032358.